The following is an entry in ClinVar:

NM_001318734.2(KLC2):c.698G>T (p.Gly233Val)

Genes: KLC2 (kinesin light chain 2; plus strand), KLC2-AS1 (KLC2 antisense RNA 1; minus strand). Cytogenetic location: 11q13.2.
Variant type: single nucleotide variant.
Coding change: c.698G>T on transcript NM_001318734.2 (MANE Select); coding-DNA position 698, G replaced by T.
Protein change: p.Gly233Val; replaces glycine 233 with valine.
Molecular consequence: missense variant.
Genome position (GRCh38, 1-based): chr11:66,262,982, G>T. VCF-style: chr11-66262982-G-T. GRCh37 (hg19) VCF-style: chr11-66030453-G-T.
Other names: c.698G>T (NM_001134775.1); c.467G>T, p.Gly156Val (NM_001134774.2); c.698G>T, p.Gly233Val (NM_001134775.2, NM_001134776.2, NM_022822.3); short protein forms G233V, G156V.
Identifiers: ClinVar variation 1450651 (VCV001450651.11), dbSNP rs1438263505, ClinGen allele CA381392623.

ClinVar aggregate classification (germline): Uncertain significance. Review status: criteria provided, multiple submitters, no conflicts (2 of 4 stars). 2 submissions from 2 submitters: Uncertain significance (2). Last evaluated 2022-04-07.

Allele frequency attached by ClinVar (database versions not stated): gnomAD exomes below 0.00001; gnomAD 0.00003; TOPMed 0.00004.

Submissions (2):

Ambry Genetics
Classification: Uncertain significance. Last evaluated: 2022-04-07. Review status: criteria provided, single submitter. Criteria: Ambry Variant Classification Scheme 2023. Collection method: clinical testing. Allele origin: germline.

Labcorp Genetics (formerly Invitae), Labcorp
Classification: Uncertain significance. Last evaluated: 2021-07-12. Review status: criteria provided, single submitter. Criteria: Invitae Variant Classification Sherloc (09022015). Collection method: clinical testing. Allele origin: germline.
Comment: In summary, the available evidence is currently insufficient to determine the role of this variant in disease. Therefore, it has been classified as a Variant of Uncertain Significance. Algorithms developed to predict the effect of missense changes on protein structure and function (SIFT, PolyPhen-2, Align-GVGD) all suggest that this variant is likely to be disruptive, but these predictions have not been confirmed by published functional studies and their clinical significance is uncertain. This variant has not been reported in the literature in individuals with KLC2-related conditions. This variant is not present in population databases (ExAC no frequency). This sequence change replaces glycine with valine at codon 233 of the KLC2 protein (p.Gly233Val). The glycine residue is highly conserved and there is a moderate physicochemical difference between glycine and valine.